The following is an entry in ClinVar:

ClinVar aggregate classification (germline): Likely benign (0 of 4 stars; one submission).

Conditions:
NECTIN2-related disorder. Also called: NECTIN2-related condition.

Submission:

PreventionGenetics, part of Exact Sciences
Classification: Likely benign for NECTIN2-related condition. Last evaluated: 2023-03-26. Review status: no assertion criteria provided. Collection method: clinical testing. Allele origin: germline.
Comment: This variant is classified as likely benign based on ACMG/AMP sequence variant interpretation guidelines (Richards et al. 2015 PMID: 25741868, with internal and published modifications).

NM_001042724.2(NECTIN2):c.1042+3863GAG[5]

Gene: NECTIN2 (nectin cell adhesion molecule 2; plus strand). Cytogenetic location: 19q13.32.
Variant type: Microsatellite.
Coding change: c.1042+3863GAG[5] on transcript NM_001042724.2 (MANE Select); five copies in a row of the 3-base unit GAG starting at c.1042+3863.
Molecular consequence: intron variant.
Genome position: GRCh38 VCF-style: chr19-44878340-T-TGAG. GRCh37 (hg19) VCF-style: chr19-45381597-T-TGAG.
Other names: c.1163GGA[5], p.Arg391_Lys392insArg (NM_002856.3).
Identifiers: ClinVar variation 3034381 (VCV003034381.2), dbSNP rs375813744, ClinGen allele CA9505298.